The following is an entry in ClinVar:

ClinVar aggregate classification (germline): Pathogenic. Review status: reviewed by expert panel (3 of 4 stars). 3 submissions from 3 submitters: Pathogenic (1). 2 of the submissions do not count toward it. Last evaluated 2026-06-23.

Conditions:
Leber congenital amaurosis 2 (LCA2). Also called: AMAUROSIS CONGENITA OF LEBER II; Autosomal Recessive RPE65-Related Retinal Degeneration. Identifiers: Orphanet 65, MedGen C1859844, MONDO:0008765, OMIM 204100. Disease mechanism: loss of function.
Retinitis pigmentosa 20 (RP20). Identifiers: Orphanet 791, MedGen C3151086, MONDO:0013425, OMIM 613794.
RPE65-related recessive retinopathy. Also called: Recessive RPE65 retinopathy. Identifiers: MedGen CN305526, MONDO:0100368.

Submissions (3):

ClinGen Leber Congenital Amaurosis/early Onset Retinal Dystrophy Variant Curation Expert Panel, ClinGen
Classification: Pathogenic for RPE65-related recessive retinopathy. Last evaluated: 2026-06-23. Review status: reviewed by expert panel. Criteria: ClinGen LCAeoRD ACMG Specifications RPE65 V1.0.0. Collection method: curation. Allele origin: germline. Inheritance: Autosomal recessive inheritance.
Comment: NM_000329.3(RPE65):c.1243+1G>C is a non-coding variant that disrupts a canonical splice site in intron 11 and is predicted to lead to skipping of an out-of-frame critical exon, resulting in a frameshift and likely nonsense-mediated decay in a gene in which loss-of-function is an established mechanism of disease (PVS1). This variant is located at the splice donor +1 dinucleotide position and has a comparable Pathogenic variant within the same splice donor site at the +2 dinucleotide position, NM_000329.3:c.1243+2T>A, with the same predicted impact (PS1_Supporting). This variant is absent from gnomAD v4.1.1 (PM2_Supporting). In summary, this variant meets the criteria to be classified as Pathogenic for RPE65-related recessive retinopathy based on the ACMG/AMP criteria applied, as specified by the ClinGen LCA / eoRD VCEP: PVS1, PS1_Supporting, and PM2_Supporting. VCEP specifications version 1.0.0; date of approval 09/21/2023).

Baylor Genetics
Classification: Likely pathogenic for Leber congenital amaurosis 2. Last evaluated: 2024-03-19. Review status: criteria provided, single submitter. Criteria: ACMG Guidelines, 2015. Collection method: clinical testing. Allele origin: unknown. Not counted in ClinVar's aggregate classification.

Labcorp Genetics (formerly Invitae), Labcorp
Classification: Likely pathogenic for Leber congenital amaurosis 2; Retinitis pigmentosa 20. Last evaluated: 2022-07-22. Review status: criteria provided, single submitter. Criteria: Invitae Variant Classification Sherloc (09022015). Collection method: clinical testing. Allele origin: germline. Not counted in ClinVar's aggregate classification.
Comment: This sequence change affects a donor splice site in intron 11 of the RPE65 gene. It is expected to disrupt RNA splicing. Variants that disrupt the donor or acceptor splice site typically lead to a loss of protein function (PMID: 16199547), and loss-of-function variants in RPE65 are known to be pathogenic (PMID: 9326941, 9501220, 9843205, 18632300). In summary, the currently available evidence indicates that the variant is pathogenic, but additional data are needed to prove that conclusively. Therefore, this variant has been classified as Likely Pathogenic. This variant is not present in population databases (gnomAD no frequency). This variant has not been reported in the literature in individuals affected with RPE65-related conditions. Algorithms developed to predict the effect of sequence changes on RNA splicing suggest that this variant may disrupt the consensus splice site.

Literature cited by the submitters: PubMed 16199547 (cited by Labcorp Genetics (formerly Invitae), Labcorp); PubMed 9326941 (cited by Labcorp Genetics (formerly Invitae), Labcorp); PubMed 9501220 (cited by Labcorp Genetics (formerly Invitae), Labcorp); PubMed 9843205 (cited by Labcorp Genetics (formerly Invitae), Labcorp); PubMed 18632300 (cited by Labcorp Genetics (formerly Invitae), Labcorp).

NM_000329.3(RPE65):c.1243+1G>C

Gene: RPE65 (retinoid isomerohydrolase RPE65; minus strand). Cytogenetic location: 1p31.3.
Variant type: single nucleotide variant.
Coding change: c.1243+1G>C on transcript NM_000329.3 (MANE Select); the canonical splice donor site of the intron after coding-DNA position 1243, G replaced by C.
Molecular consequence: splice donor variant.
Genome position (GRCh38, 1-based): chr1:68,431,470, C>G on the plus strand (G>C on the coding strand, the complement: RPE65 is on the minus strand). VCF-style: chr1-68431470-C-G. GRCh37 (hg19) VCF-style: chr1-68897153-C-G.
Other names: c.967+1G>C (NM_001406857.1, NM_001406856.1); c.1135+1G>C (NM_001406853.1).
Identifiers: ClinVar variation 2018845 (VCV002018845.6), dbSNP rs1421696563, ClinGen allele CA340742783.
Genomic context (GRCh38, chr1:68,431,470, plus strand): 5'-TAATCTCTTTGAAAGAAACATTTGTTCACTCCCGTGTGAAGTTTTCTCTAGATCATCTCA[C>G]CTTGACGAGGCCCTGAAAAGAGAACTTCAGGCTCCAGCCAGATAGTCTCGTCACTGCACA-3'